The following is an entry in ClinVar:

NM_004055.5(CAPN5):c.1199A>C (p.Glu400Ala)

Gene: CAPN5 (calpain 5; plus strand). Cytogenetic location: 11q13.5.
Variant type: single nucleotide variant.
Coding change: c.1199A>C on transcript NM_004055.5 (MANE Select); coding-DNA position 1199, A replaced by C.
Protein change: p.Glu400Ala; replaces glutamic acid 400 with alanine.
Molecular consequence: missense variant.
Genome position (GRCh38, 1-based): chr11:77,119,061, A>C. VCF-style: chr11-77119061-A-C. GRCh37 (hg19) VCF-style: chr11-76830107-A-C.
Other names: c.1199A>C (NM_004055.4); short protein forms E400A.
Identifiers: ClinVar variation 1063859 (VCV001063859.9), dbSNP rs782642798, ClinGen allele CA6196723.

ClinVar aggregate classification (germline): Conflicting classifications of pathogenicity. Review status: criteria provided, conflicting classifications (1 of 4 stars). 3 submissions from 3 submitters: Uncertain significance (2); Likely benign (1). Last evaluated 2024-12-06.

Conditions:
Inborn genetic diseases. Identifiers: MedGen C0950123, MeSH D030342.

Allele frequency attached by ClinVar (database versions not stated): gnomAD 0.00002 and 0.00003; gnomAD exomes 0.00002 and 0.00005; ExAC 0.00004; TOPMed 0.00005.
gnomAD v4.1: 31 of 1,613,920 alleles (0.0019%); highest among the groups gnomAD compares: Admixed American, 0.023%; 1 homozygote.

Submissions (3):

Ambry Genetics
Classification: Uncertain significance for Inborn genetic diseases. Last evaluated: 2024-12-06. Review status: criteria provided, single submitter. Criteria: Ambry Variant Classification Scheme 2023. Collection method: clinical testing. Allele origin: germline.

Blueprint Genetics
Classification: Likely benign. Last evaluated: 2024-03-05. Review status: criteria provided, single submitter. Criteria: ACMG Guidelines, 2015. Collection method: clinical testing. Allele origin: germline.

Labcorp Genetics (formerly Invitae), Labcorp
Classification: Uncertain significance. Last evaluated: 2024-02-24. Review status: criteria provided, single submitter. Criteria: Invitae Variant Classification Sherloc (09022015). Collection method: clinical testing. Allele origin: germline.
Comment: This sequence change replaces glutamic acid, which is acidic and polar, with alanine, which is neutral and non-polar, at codon 400 of the CAPN5 protein (p.Glu400Ala). This variant is present in population databases (rs782642798, gnomAD 0.03%), and has an allele count higher than expected for a pathogenic variant. This variant has not been reported in the literature in individuals affected with CAPN5-related conditions. ClinVar contains an entry for this variant (Variation ID: 1063859). Advanced modeling of protein sequence and biophysical properties (such as structural, functional, and spatial information, amino acid conservation, physicochemical variation, residue mobility, and thermodynamic stability) performed at Invitae indicates that this missense variant is not expected to disrupt CAPN5 protein function with a negative predictive value of 80%. In summary, the available evidence is currently insufficient to determine the role of this variant in disease. Therefore, it has been classified as a Variant of Uncertain Significance.